The following is an entry in ClinVar:

NM_006206.6(PDGFRA):c.2164A>T (p.Ile722Phe)

Gene: PDGFRA (platelet derived growth factor receptor alpha; plus strand). Cytogenetic location: 4q12.
Variant type: single nucleotide variant.
Coding change: c.2164A>T on transcript NM_006206.6 (MANE Select); coding-DNA position 2164, A replaced by T.
Protein change: p.Ile722Phe; replaces isoleucine 722 with phenylalanine.
Molecular consequence: missense variant.
Genome position (GRCh38, 1-based): chr4:54,280,323, A>T. VCF-style: chr4-54280323-A-T. GRCh37 (hg19) VCF-style: chr4-55146490-A-T.
Other names: c.2164A>T, p.Ile722Phe (NM_001347827.2, NM_001347829.2); c.2239A>T, p.Ile747Phe (NM_001347828.2); c.2203A>T, p.Ile735Phe (NM_001347830.2); short protein forms I722F, I747F, I735F.
Identifiers: ClinVar variation 459044 (VCV000459044.10), dbSNP rs1553905278, ClinGen allele CA356894201.

ClinVar aggregate classification (germline): Uncertain significance (1 of 4 stars; one submission).

Conditions:
Gastrointestinal stromal tumor. Also called: Gastrointestinal stroma tumor; Gastrointestinal stromal tumor, somatic. Identifiers: Orphanet 44890, MedGen C0238198, MeSH D046152, MONDO:0011719, OMIM 606764, HP:0100723.

Allele frequency attached by ClinVar (database versions not stated): gnomAD exomes below 0.00001.
gnomAD v4.1: 2 of 1,613,562 alleles (0.00012%); highest among the groups gnomAD compares: Non-Finnish European, 0.00017%; no homozygotes.

Submission:

Labcorp Genetics (formerly Invitae), Labcorp
Classification: Uncertain significance for Gastrointestinal stromal tumor. Last evaluated: 2025-02-25. Review status: criteria provided, single submitter. Criteria: Invitae Variant Classification Sherloc (09022015). Collection method: clinical testing. Allele origin: germline.
Comment: This sequence change replaces isoleucine, which is neutral and non-polar, with phenylalanine, which is neutral and non-polar, at codon 722 of the PDGFRA protein (p.Ile722Phe). This variant is not present in population databases (gnomAD no frequency). This variant has not been reported in the literature in individuals affected with PDGFRA-related conditions. ClinVar contains an entry for this variant (Variation ID: 459044). Invitae Evidence Modeling of protein sequence and biophysical properties (such as structural, functional, and spatial information, amino acid conservation, physicochemical variation, residue mobility, and thermodynamic stability) indicates that this missense variant is not expected to disrupt PDGFRA protein function with a negative predictive value of 80%. In summary, the available evidence is currently insufficient to determine the role of this variant in disease. Therefore, it has been classified as a Variant of Uncertain Significance.